The following is an entry in ClinVar:

ClinVar aggregate classification (germline): Pathogenic/Likely pathogenic. Review status: criteria provided, multiple submitters, no conflicts (2 of 4 stars). 2 submissions from 2 submitters: Pathogenic (1); Likely pathogenic (1). Last evaluated 2024-03-04.

Conditions:
Hereditary cancer-predisposing syndrome. Also called: Neoplastic Syndromes, Hereditary; Tumor predisposition; Hereditary Cancer Syndrome; Hereditary neoplastic syndrome. Identifiers: Orphanet 140162, MedGen C0027672, MeSH D009386, MONDO:0015356.

Submissions (2):

Mayo Clinic Laboratories, Mayo Clinic
Classification: Likely pathogenic. Last evaluated: 2024-03-04. Review status: criteria provided, single submitter. Criteria: ACMG Guidelines, 2015. Collection method: clinical testing. Allele origin: germline. Observed: 1 variant allele.
Comment: PM2, PVS1

Ambry Genetics
Classification: Pathogenic for Hereditary cancer-predisposing syndrome. Last evaluated: 2017-05-15. Review status: criteria provided, single submitter. Criteria: Ambry Variant Classification Scheme 2023. Collection method: clinical testing. Allele origin: germline.
Comment: The c.3717_3726del10 pathogenic mutation, located in coding exon 15 of the APC gene, results from a deletion of 10 nucleotides at nucleotide positions 3717 to 3726, causing a translational frameshift with a predicted alternate stop codon (p.R1239Sfs*23). This alteration is expected to result in loss of function by premature protein truncation or nonsense-mediated mRNA decay. As such, this alteration is interpreted as a disease-causing mutation.

NM_000038.6(APC):c.3717_3726del (p.Arg1239fs)

Gene: APC (APC regulator of Wnt signaling pathway; plus strand). Cytogenetic location: 5q22.2.
Variant type: Deletion.
Coding change: c.3717_3726del on transcript NM_000038.6 (MANE Select); coding-DNA positions 3717 to 3726, 10 bases deleted (AAGTGGTCAG; older notation c.3717_3726delAAGTGGTCAG).
Protein change: p.Arg1239fs; shifts the reading frame from arginine 1239.
Molecular consequence: frameshift variant.
Genome position (GRCh38, 1-based): chr5:112,839,311-112,839,320, AAGTGGTCAG deleted; deleting any 10 consecutive bases within chr5:112,839,309-112,839,320 gives the same sequence; the c. name uses the placement nearest the transcript's 3' end. VCF-style (leftmost placement, unchanged base first): chr5-112839308-TAGAAGTGGTC-T. GRCh37 (hg19) VCF-style: chr5-112175005-TAGAAGTGGTC-T.
Other names: p.Arg1239Serfs*23; c.3717_3726del, p.Arg1239fs (NM_001127510.3, NM_001354895.2); c.3663_3672del, p.Arg1221fs (NM_001127511.3); c.3339_3348del, p.Arg1113fs (NM_001354904.2); c.3237_3246del, p.Arg1079fs (NM_001354905.2); c.2868_2877del, p.Arg956fs (NM_001354906.2); c.3801_3810delAAGTGGTCAG, p.Arg1267Serfs (NM_001407446.1); c.3771_3780delAAGTGGTCAG, p.Arg1257Serfs (NM_001407447.1, NM_001407448.1, NM_001407449.1); and 17 more; short protein forms R1180fs, R1221fs, R1079fs, R1211fs, R1239fs, R956fs, R1138fs, R1214fs.
Identifiers: ClinVar variation 1734244 (VCV001734244.3), dbSNP rs2533518738, ClinGen allele CA2580072970.